The following is an entry in ClinVar:

NM_023110.3(FGFR1):c.1135A>G (p.Ile379Val)

Gene: FGFR1 (fibroblast growth factor receptor 1; minus strand). Cytogenetic location: 8p11.23.
Variant type: single nucleotide variant.
Coding change: c.1135A>G on transcript NM_023110.3 (MANE Select); coding-DNA position 1135, A replaced by G.
Protein change: p.Ile379Val; replaces isoleucine 379 with valine.
Molecular consequence: missense variant.
Genome position (GRCh38, 1-based): chr8:38,419,682, T>C on the plus strand (A>G on the coding strand, the complement: FGFR1 is on the minus strand). VCF-style: chr8-38419682-T-C. GRCh37 (hg19) VCF-style: chr8-38277200-T-C.
Other names: c.1135A>G, p.Ile379Val (NM_001174063.2); c.1111A>G, p.Ile371Val (NM_001174064.2); c.1129A>G, p.Ile377Val (NM_001174065.2, NM_001354367.2, NM_001354369.2 and 2 more transcripts); c.868A>G, p.Ile290Val (NM_001174066.2, NM_023105.3); c.1228A>G, p.Ile410Val (NM_001174067.2); c.862A>G, p.Ile288Val (NM_001354368.2, NM_001354370.2, NM_023106.3); short protein forms I288V, I290V, I371V, I377V, I379V, I410V.
Identifiers: ClinVar variation 3764366 (VCV003764366.1).

ClinVar aggregate classification (germline): Uncertain significance (1 of 4 stars; one submission).

gnomAD v4.1: 1 of 1,614,090 alleles (0.000062%); highest among the groups gnomAD compares: East Asian, 0.0022%; no homozygotes.

Submission:

GeneDx
Classification: Uncertain significance. Last evaluated: 2024-08-19. Review status: criteria provided, single submitter. Criteria: GeneDx Variant Classification Process June 2021. Collection method: clinical testing. Allele origin: germline. Affected: yes.
Comment: Not observed at significant frequency in large population cohorts (gnomAD); In silico analysis indicates that this missense variant does not alter protein structure/function; Has not been previously published as pathogenic or benign to our knowledge